The following is an entry in ClinVar:

ClinVar aggregate classification (germline): Conflicting classifications of pathogenicity. Review status: criteria provided, conflicting classifications (1 of 4 stars). 3 submissions from 3 submitters: Uncertain significance (2); Likely benign (1). Last evaluated 2025-08-19.

Conditions:
Hereditary cancer-predisposing syndrome. Also called: Neoplastic Syndromes, Hereditary; Tumor predisposition; Hereditary Cancer Syndrome; Hereditary neoplastic syndrome. Identifiers: Orphanet 140162, MedGen C0027672, MeSH D009386, MONDO:0015356.
Familial adenomatous polyposis 2. Also called: Adenomas, multiple colorectal; MUTYH Polyposis; COLORECTAL ADENOMATOUS POLYPOSIS, AUTOSOMAL RECESSIVE; ADENOMAS, MULTIPLE COLORECTAL, AUTOSOMAL RECESSIVE; MUTYH-associated polyposis; MUTYH-related attenuated familial adenomatous polyposis. Identifiers: Orphanet 220460, Orphanet 247798, MedGen C3272841, MONDO:0012041, OMIM 608456.

Allele frequency attached by ClinVar (database versions not stated): gnomAD exomes 0.00001.
gnomAD v4.1: 7 of 1,614,104 alleles (0.00043%); highest among the groups gnomAD compares: African/African-American, 0.0013%; no homozygotes.

Submissions (3):

Ambry Genetics
Classification: Likely benign for Hereditary cancer-predisposing syndrome. Last evaluated: 2025-08-19. Review status: criteria provided, single submitter. Criteria: Ambry Variant Classification Scheme 2023. Collection method: clinical testing. Allele origin: germline.

Color Diagnostics, LLC DBA Color Health
Classification: Uncertain significance for Hereditary cancer-predisposing syndrome. Last evaluated: 2023-12-04. Review status: criteria provided, single submitter. Criteria: ACMG Guidelines, 2015. Collection method: clinical testing. Allele origin: germline.
Comment: This missense variant replaces proline with leucine at codon 366 of the MUTYH protein. Computational prediction suggests that this variant may not impact protein structure and function (internally defined REVEL score threshold <= 0.5, PMID: 27666373). To our knowledge, functional studies have not been reported for this variant. This variant has not been reported in individuals affected with MUTYH-related disorders in the literature. This variant has not been identified in the general population by the Genome Aggregation Database (gnomAD). The available evidence is insufficient to determine the role of this variant in disease conclusively. Therefore, this variant is classified as a Variant of Uncertain Significance.

Labcorp Genetics (formerly Invitae), Labcorp
Classification: Uncertain significance for Familial adenomatous polyposis 2. Last evaluated: 2023-08-16. Review status: criteria provided, single submitter. Criteria: Invitae Variant Classification Sherloc (09022015). Collection method: clinical testing. Allele origin: germline.
Comment: This sequence change replaces proline, which is neutral and non-polar, with leucine, which is neutral and non-polar, at codon 366 of the MUTYH protein (p.Pro366Leu). This variant is not present in population databases (gnomAD no frequency). This variant has not been reported in the literature in individuals affected with MUTYH-related conditions. ClinVar contains an entry for this variant (Variation ID: 918193). An algorithm developed to predict the effect of missense changes on protein structure and function (PolyPhen-2) suggests that this variant is likely to be disruptive. In summary, the available evidence is currently insufficient to determine the role of this variant in disease. Therefore, it has been classified as a Variant of Uncertain Significance.

Literature cited by the submitters: PubMed 40738107 (cited by Ambry Genetics).

NM_001048174.2(MUTYH):c.1013C>T (p.Pro338Leu)

Gene: MUTYH (mutY DNA glycosylase; minus strand). Cytogenetic location: 1p34.1.
Variant type: single nucleotide variant.
Coding change: c.1013C>T on transcript NM_001048174.2 (MANE Select); coding-DNA position 1013, C replaced by T.
Protein change: p.Pro338Leu; replaces proline 338 with leucine.
Molecular consequence: missense variant. On other transcripts: non-coding transcript variant (2).
Genome position (GRCh38, 1-based): chr1:45,331,750, G>A on the plus strand (C>T on the coding strand, the complement: MUTYH is on the minus strand). VCF-style: chr1-45331750-G-A. GRCh37 (hg19) VCF-style: chr1-45797422-G-A.
Other names: c.1013C>T, p.Pro338Leu (NM_001048171.2, NM_001048173.2, NM_001293195.2); c.1016C>T, p.Pro339Leu (NM_001048172.2); c.1097C>T, p.Pro366Leu (NM_001128425.2); c.1058C>T, p.Pro353Leu (NM_001293190.2); c.1046C>T, p.Pro349Leu (NM_001293191.2); c.737C>T, p.Pro246Leu (NM_001293192.2, NM_001293196.2); c.668C>T, p.Pro223Leu (NM_001350650.2, NM_001350651.2); c.1088C>T, p.Pro363Leu (NM_012222.3); short protein forms P246L, P339L, P223L, P353L, P338L, P349L, P363L, P366L.
Identifiers: ClinVar variation 918193 (VCV000918193.11), dbSNP rs1557464361, ClinGen allele CA340133579.
Genomic context (GRCh38, chr1:45,331,750, plus strand): 5'-TGGGCCCCAAGGGCCCCAGGCTGTTCCAGAACACAGGTGGCAGAGCTCTCCTCCCTGGGG[G>A]GCTTGCGGCTGGCCTTTCTGGGGAAGTTGACCACTCCCAGGGTCTGGTCCCAGGGCTCCG-3'
Protein context (NP_001041639.1, residues 328-348): VNFPRKASRK[Pro338Leu]PREESSATCV